The following is an entry in ClinVar:

NM_001199107.2(TBC1D24):c.1100T>A (p.Leu367His)

Gene: TBC1D24 (TBC1 domain family member 24; plus strand). Cytogenetic location: 16p13.3.
Variant type: single nucleotide variant.
Coding change: c.1100T>A on transcript NM_001199107.2 (MANE Select); coding-DNA position 1100, T replaced by A.
Protein change: p.Leu367His; replaces leucine 367 with histidine.
Molecular consequence: missense variant.
Genome position (GRCh38, 1-based): chr16:2,498,354, T>A. VCF-style: chr16-2498354-T-A. GRCh37 (hg19) VCF-style: chr16-2548355-T-A.
Other names: c.1082T>A, p.Leu361His (NM_020705.3); short protein forms L361H, L367H.
Identifiers: ClinVar variation 1021915 (VCV001021915.9), dbSNP rs2065761961, ClinGen allele CA394378906.

ClinVar aggregate classification (germline): Uncertain significance (1 of 4 stars; one submission).

Conditions:
Developmental and epileptic encephalopathy, 1 (DEE1). Also called: X-linked infantile spasms; West's syndrome; Tonic spasms with clustering, arrest of psychomotor development and hypsarrhythmia on EEG; X-Linked Infantile Spasm Syndrome; OHTAHARA SYNDROME, X-LINKED; Epileptic encephalopathy, early infantile, 1. Identifiers: MedGen C3463992, MONDO:0010632, OMIM 308350. Disease mechanism: loss of function.
Autosomal dominant nonsyndromic hearing loss 65. Also called: Deafness, autosomal dominant 65; TBC1D24-Related Autosomal Dominant Nonsyndromic Hearing Loss (DFNA). Identifiers: Orphanet 90635, MedGen C3892048, MONDO:0014470, OMIM 616044.

Submission:

Labcorp Genetics (formerly Invitae), Labcorp
Classification: Uncertain significance for Developmental and epileptic encephalopathy, 1; Autosomal dominant nonsyndromic hearing loss 65. Last evaluated: 2022-08-16. Review status: criteria provided, single submitter. Criteria: Invitae Variant Classification Sherloc (09022015). Collection method: clinical testing. Allele origin: germline.
Comment: This sequence change replaces leucine, which is neutral and non-polar, with histidine, which is basic and polar, at codon 367 of the TBC1D24 protein (p.Leu367His). This variant is not present in population databases (gnomAD no frequency). This variant has not been reported in the literature in individuals affected with TBC1D24-related conditions. ClinVar contains an entry for this variant (Variation ID: 1021915). Advanced modeling of protein sequence and biophysical properties (such as structural, functional, and spatial information, amino acid conservation, physicochemical variation, residue mobility, and thermodynamic stability) performed at Invitae indicates that this missense variant is not expected to disrupt TBC1D24 protein function. In summary, the available evidence is currently insufficient to determine the role of this variant in disease. Therefore, it has been classified as a Variant of Uncertain Significance.